The following is an entry in ClinVar:

ClinVar aggregate classification (germline): Likely benign. Review status: criteria provided, multiple submitters, no conflicts (2 of 4 stars). 2 submissions from 2 submitters: Likely benign (2). Last evaluated 2016-08-12.

Allele frequency attached by ClinVar (database versions not stated): gnomAD exomes 0.00027 and 0.00053; ESP Exome Variant Server 0.00031; gnomAD 0.00032 and 0.00034; TOPMed 0.00039; ExAC 0.00049.

Submissions (2):

GeneDx
Classification: Likely benign. Last evaluated: 2016-08-12. Review status: criteria provided, single submitter. Criteria: GeneDx Variant Classification (06012015). Collection method: clinical testing. Allele origin: germline. Affected: yes.
Comment: This variant is considered likely benign or benign based on one or more of the following criteria: it is a conservative change, it occurs at a poorly conserved position in the protein, it is predicted to be benign by multiple in silico algorithms, and/or has population frequency not consistent with disease.

Breakthrough Genomics
Classification: Likely benign. Review status: criteria provided, single submitter. Criteria: ACMG Guidelines, 2015. Collection method: not provided. Allele origin: germline. Inheritance: Autosomal recessive inheritance. Affected: yes.

NC_000019.10:g.10316041G>A

Gene: FDX2 (ferredoxin 2; minus strand). Cytogenetic location: 19p13.2.
Variant type: single nucleotide variant.
Genome position: GRCh38 VCF-style: chr19-10316041-G-A. GRCh37 (hg19) VCF-style: chr19-10426717-G-A.
Identifiers: ClinVar variation 387770 (VCV000387770.2), dbSNP rs202049669, ClinGen allele CA9191406.